The following is an entry in ClinVar:

ClinVar aggregate classification (germline): Uncertain significance (1 of 4 stars; one submission).

Conditions:
Developmental and epileptic encephalopathy, 2 (DEE2). Also called: INFANTILE SPASM SYNDROME, X-LINKED 2; CDKL5 deficiency disorder. Identifiers: Orphanet 1934, Orphanet 3451, Orphanet 505652, MedGen C4750718, MONDO:0010396, OMIM 300672.
Angelman syndrome-like. Identifiers: MedGen CN128785.

Submission:

Labcorp Genetics (formerly Invitae), Labcorp
Classification: Uncertain significance for Developmental and epileptic encephalopathy, 2; Angelman syndrome-like. Last evaluated: 2023-11-18. Review status: criteria provided, single submitter. Criteria: Invitae Variant Classification Sherloc (09022015). Collection method: clinical testing. Allele origin: germline.
Comment: This sequence change replaces asparagine, which is neutral and polar, with serine, which is neutral and polar, at codon 700 of the CDKL5 protein (p.Asn700Ser). This variant is not present in population databases (gnomAD no frequency). This variant has not been reported in the literature in individuals affected with CDKL5-related conditions. Advanced modeling of protein sequence and biophysical properties (such as structural, functional, and spatial information, amino acid conservation, physicochemical variation, residue mobility, and thermodynamic stability) performed at Invitae indicates that this missense variant is not expected to disrupt CDKL5 protein function with a negative predictive value of 95%. In summary, the available evidence is currently insufficient to determine the role of this variant in disease. Therefore, it has been classified as a Variant of Uncertain Significance.

NM_001323289.2(CDKL5):c.2099A>G (p.Asn700Ser)

Gene: CDKL5 (cyclin dependent kinase like 5; plus strand). Cytogenetic location: Xp22.13.
Variant type: single nucleotide variant.
Coding change: c.2099A>G on transcript NM_001323289.2 (MANE Select); coding-DNA position 2099, A replaced by G.
Protein change: p.Asn700Ser; replaces asparagine 700 with serine.
Molecular consequence: missense variant.
Genome position (GRCh38, 1-based): chrX:18,609,517, A>G. VCF-style: chrX-18609517-A-G. GRCh37 (hg19) VCF-style: chrX-18627637-A-G.
Other names: c.2099A>G, p.Asn700Ser (NM_001037343.2, NM_003159.3); short protein forms N700S.
Identifiers: ClinVar variation 2953997 (VCV002953997.3), dbSNP rs2518881209, ClinGen allele CA412366460.